The following is an entry in ClinVar:

NM_000197.2(HSD17B3):c.9C>T (p.Asp3=)

Genes: HSD17B3 (hydroxysteroid 17-beta dehydrogenase 3; minus strand), SLC35D2-HSD17B3 (SLC35D2-HSD17B3 readthrough; minus strand). Cytogenetic location: 9q22.32.
Variant type: single nucleotide variant.
Coding change: c.9C>T on transcript NM_000197.2 (MANE Select); coding-DNA position 9, C replaced by T.
Protein change: p.Asp3=; no amino-acid change (aspartic acid 3 retained).
Molecular consequence: synonymous variant.
Genome position (GRCh38, 1-based): chr9:96,302,096, G>A on the plus strand (C>T on the coding strand, the complement: HSD17B3 is on the minus strand). VCF-style: chr9-96302096-G-A. GRCh37 (hg19) VCF-style: chr9-99064378-G-A.
Identifiers: ClinVar variation 367685 (VCV000367685.10), dbSNP rs139582148, ClinGen allele CA5140563.
Genomic context (GRCh38, chr9:96,302,096, plus strand): 5'-CTTCGCCAGGCAGGCCAGGCACACCAGCAGCCCTGTGAGGATGAAGAACTGTTCCAGGAC[G>A]TCCCCCATGGCTGCACTCAACAGACTGTTTCAGCCCTGGCCGTGGCTCTCTGTGTATGCC-3'
Protein context (NP_000188.1, residues 1-13): MG[Asp3=]VLEQFFILTG

ClinVar aggregate classification (germline): Conflicting classifications of pathogenicity. Review status: criteria provided, conflicting classifications (1 of 4 stars). 3 submissions from 3 submitters: Uncertain significance (1); Likely benign (1). 1 of the submissions does not count toward it. Last evaluated 2026-01-18.

Conditions:
Testosterone 17-beta-dehydrogenase deficiency. Also called: 17-beta hydroxysteroid dehydrogenase 3 deficiency; 17 alpha ketosteroid reductase deficiency of testis; 17 alpha KSR deficiency; Neutral 17 beta hydroxysteroid oxidoreductase deficiency; Male pseudoherma-phroditism with gynecomastia; 46,XY disorder of sex development due to 17-beta-hydroxysteroid dehydrogenase 3 deficiency. Identifiers: Orphanet 752, MedGen C0268296, MONDO:0009916, OMIM 264300. Disease mechanism: loss of function.
HSD17B3-related disorder. Also called: HSD17B3-related condition.

Allele frequency attached by ClinVar (database versions not stated): gnomAD exomes 0.00022 and 0.00023; ExAC 0.00032; gnomAD 0.00056; TOPMed 0.00057; ESP Exome Variant Server 0.00092; 1000 Genomes Project 0.00160; 1000 Genomes Project 30x 0.00172.
gnomAD v4.1: 413 of 1,614,024 alleles (0.026%); highest among the groups gnomAD compares: Middle Eastern, 0.15%; 2 homozygotes.

Submissions (3):

Labcorp Genetics (formerly Invitae), Labcorp
Classification: Likely benign. Last evaluated: 2026-01-18. Review status: criteria provided, single submitter. Criteria: Invitae Variant Classification Sherloc (09022015). Collection method: clinical testing. Allele origin: germline.

Illumina Laboratory Services, Illumina
Classification: Uncertain significance for Testosterone 17-beta-dehydrogenase deficiency. Last evaluated: 2018-01-13. Review status: criteria provided, single submitter. Criteria: ICSL Variant Classification Criteria 13 December 2019. Collection method: clinical testing. Allele origin: germline.

PreventionGenetics, part of Exact Sciences
Classification: Likely benign for HSD17B3-related condition. Last evaluated: 2024-01-03. Review status: no assertion criteria provided. Collection method: clinical testing. Allele origin: germline. Not counted in ClinVar's aggregate classification.
Comment: This variant is classified as likely benign based on ACMG/AMP sequence variant interpretation guidelines (Richards et al. 2015 PMID: 25741868, with internal and published modifications).